The following is an entry in ClinVar:

ClinVar aggregate classification (germline): Uncertain significance (1 of 4 stars; one submission).

Conditions:
Malignant hyperthermia, susceptibility to, 1 (MHS1). Also called: Anesthesia related hyperthermia; Malignant hyperpyrexia; Fulminating hyperpyrexia; Pharmacogenic myopathy; RYR1-Related Malignant Hyperthermia Susceptibility; Malignant hyperthermia suceptibility 1. Identifiers: Orphanet 423, MedGen C2930980, MONDO:0007783, OMIM 145600.

Allele frequency attached by ClinVar (database versions not stated): ExAC 0.00001; gnomAD 0.00002; TOPMed 0.00002; 1000 Genomes Project 0.00020; 1000 Genomes Project 30x 0.00031.
gnomAD v4.1: 3 of 1,613,520 alleles (0.00019%); highest among the groups gnomAD compares: African/African-American, 0.004%; no homozygotes.

Submission:

All of Us Research Program, National Institutes of Health
Classification: Uncertain significance for Malignant hyperthermia, susceptibility to, 1. Last evaluated: 2023-12-01. Review status: criteria provided, single submitter. Criteria: ACMG Guidelines, 2015. Collection method: clinical testing. Allele origin: germline. Inheritance: Autosomal dominant inheritance. Observed: 1 variant allele, 1 heterozygote.
Comment: This study involves interpretation of variants in research participants for the purpose of population health screening. Participant phenotype was not available at the time of variant classification. Additional details can be found in publication PMID: 35346344, PMCID: PMC8962531

NM_000540.3(RYR1):c.5351C>A (p.Ala1784Asp)

Gene: RYR1 (ryanodine receptor 1; plus strand). Cytogenetic location: 19q13.2.
Variant type: single nucleotide variant.
Coding change: c.5351C>A on transcript NM_000540.3 (MANE Select); coding-DNA position 5351, C replaced by A.
Protein change: p.Ala1784Asp; replaces alanine 1784 with aspartic acid.
Molecular consequence: missense variant.
Genome position (GRCh38, 1-based): chr19:38,486,006, C>A. VCF-style: chr19-38486006-C-A. GRCh37 (hg19) VCF-style: chr19-38976646-C-A.
Other names: c.5351C>A, p.Ala1784Asp (NM_001042723.2); short protein forms A1784D.
Identifiers: ClinVar variation 3074674 (VCV003074674.1), dbSNP rs554951904, ClinGen allele CA066942.